The following is an entry in ClinVar:

NM_024529.5(CDC73):c.307+1G>A

Gene: CDC73 (cell division cycle 73; plus strand). Cytogenetic location: 1q31.2.
Variant type: single nucleotide variant.
Coding change: c.307+1G>A on transcript NM_024529.5 (MANE Select); the canonical splice donor site of the intron after coding-DNA position 307, G replaced by A.
Molecular consequence: splice donor variant.
Genome position (GRCh38, 1-based): chr1:193,130,244, G>A. VCF-style: chr1-193130244-G-A. GRCh37 (hg19) VCF-style: chr1-193099374-G-A.
Identifiers: ClinVar variation 2734058 (VCV002734058.3), dbSNP rs2103117989, ClinGen allele CA343973420.
Genomic context (GRCh38, chr1:193,130,244, plus strand): 5'-TTCCTGTGGTTAGAAGACCTGATCGAAAAGATCTACTTGGATATCTCAATGGTGAAGCGT[G>A]TGAGTACTTTTTAAATTGTTCCCAGTCTTAAACAGACATTGTTTCTTTTTTCCCCTATGA-3'

ClinVar aggregate classification (germline): Likely pathogenic (1 of 4 stars; one submission).

Conditions:
Parathyroid carcinoma (PRTC). Also called: CDC73-Related Parathyroid Carcinoma; Parathyroid gland carcinoma. Identifiers: Orphanet 143, MedGen C0687150, MONDO:0012004, OMIM 608266, HP:0006780.

Submission:

Labcorp Genetics (formerly Invitae), Labcorp
Classification: Likely pathogenic for Parathyroid carcinoma. Last evaluated: 2023-12-26. Review status: criteria provided, single submitter. Criteria: Invitae Variant Classification Sherloc (09022015). Collection method: clinical testing. Allele origin: germline.
Comment: This sequence change affects a donor splice site in intron 3 of the CDC73 gene. RNA analysis indicates that disruption of this splice site induces altered splicing and may result in an absent or disrupted protein product. This variant is not present in population databases (gnomAD no frequency). Disruption of this splice site has been observed in individual(s) with CDC73-related conditions (PMID: 23029104, 24716902, 32590342). This variant is also known as IVS3+1 G>A. Studies have shown that disruption of this splice site results in skipping of exon 3 and introduces a premature termination codon (PMID: 24716902). The resulting mRNA is expected to undergo nonsense-mediated decay. In summary, the currently available evidence indicates that the variant is pathogenic, but additional data are needed to prove that conclusively. Therefore, this variant has been classified as Likely Pathogenic.

Literature cited by the submitters: PubMed 23029104; PubMed 24716902; PubMed 32590342.